The following is an entry in ClinVar:

NM_005559.4(LAMA1):c.7628_7632del (p.Pro2543fs)

Genes: LAMA1 (laminin subunit alpha 1; minus strand), LOC126862685 (BRD4-independent group 4 enhancer GRCh37_chr18:6958646-6959845; plus strand). Cytogenetic location: 18p11.31.
Variant type: Deletion.
Coding change: c.7628_7632del on transcript NM_005559.4 (MANE Select); coding-DNA positions 7628 to 7632, 5 bases deleted (CCTTC; older notation c.7628_7632delCCTTC).
Protein change: p.Pro2543fs; shifts the reading frame from proline 2543.
Molecular consequence: frameshift variant.
Genome position (GRCh38, 1-based): chr18:6,959,487-6,959,491, GAAGG deleted on the plus strand (CCTTC on the coding strand, the reverse complement: LAMA1 is on the minus strand); deleting any 5 consecutive bases within chr18:6,959,487-6,959,492 gives the same sequence; the c. name uses the placement nearest the transcript's 3' end. VCF-style (leftmost placement, unchanged base first): chr18-6959486-AGAAGG-A. GRCh37 (hg19) VCF-style: chr18-6959485-AGAAGG-A.
Other names: short protein forms P2543fs.
Identifiers: ClinVar variation 2019646 (VCV002019646.4), dbSNP rs2510825951, ClinGen allele CA2580095903.
Genomic context (GRCh38, chr18:6,959,486, plus strand): 5'-CTGTCCCATCCCCAGGATTGACATGTACCTCAATGTTGCCTCCGATCAGCATGACGGAAA[AGAAGG>A]GCTGGGGAGGTTGCATAGAGAATTTCCCAGACAAAACACATTACTATATGATTTAGAAAA-3'

ClinVar aggregate classification (germline): Pathogenic (1 of 4 stars; one submission).

Submission:

Labcorp Genetics (formerly Invitae), Labcorp
Classification: Pathogenic. Last evaluated: 2024-12-16. Review status: criteria provided, single submitter. Criteria: Invitae Variant Classification Sherloc (09022015). Collection method: clinical testing. Allele origin: germline.
Comment: This sequence change creates a premature translational stop signal (p.Pro2543Leufs*11) in the LAMA1 gene. It is expected to result in an absent or disrupted protein product. Loss-of-function variants in LAMA1 are known to be pathogenic (PMID: 25105227, 26932191). This variant is not present in population databases (gnomAD no frequency). This variant has not been reported in the literature in individuals affected with LAMA1-related conditions. ClinVar contains an entry for this variant (Variation ID: 2019646). For these reasons, this variant has been classified as Pathogenic.

Literature cited by the submitters: PubMed 25105227; PubMed 26932191.